The following is an entry in ClinVar:

ClinVar aggregate classification (germline): Uncertain significance. Review status: criteria provided, multiple submitters, no conflicts (2 of 4 stars). 3 submissions from 3 submitters: Uncertain significance (3). Last evaluated 2026-05-13.

Conditions:
Bronchiectasis with or without elevated sweat chloride 1 (BESC1). Also called: Cystic Fibrosis-Like Syndrome. Identifiers: Orphanet 60033, MedGen C2749757, MONDO:0008887, OMIM 211400.
Liddle syndrome 1 (LIDLS1). Also called: PSEUDOALDOSTERONISM. Identifiers: Orphanet 526, MedGen CN031472, MONDO:0020607, OMIM 177200.
Pseudohypoaldosteronism, type IB2, autosomal recessive (PHA1B2). Identifiers: MedGen C5774255, MONDO:0859317, OMIM 620125.

Allele frequency attached by ClinVar (database versions not stated): ExAC 0.00008; ESP Exome Variant Server 0.00008; gnomAD 0.00016; TOPMed 0.00020.
gnomAD v4.1: 63 of 1,612,472 alleles (0.0039%); highest among the groups gnomAD compares: African/African-American, 0.049%; no homozygotes.

Submissions (3):

Women's Health and Genetics/Laboratory Corporation of America, LabCorp
Classification: Uncertain significance. Last evaluated: 2026-05-13. Review status: criteria provided, single submitter. Criteria: LabCorp Variant Classification Summary - May 2015. Collection method: clinical testing. Allele origin: germline.
Comment: Variant summary: SCNN1B c.1870C>T (p.Arg624Cys) results in a non-conservative amino acid change in the encoded protein sequence. Algorithms developed to predict the effect of missense changes on protein structure and function are either unavailable or do not agree on the potential impact of this missense change. The variant allele was found at a frequency of 7.3e-05 in 245820 control chromosomes. This frequency is not significantly higher than estimated for disease-causing variants in SCNN1B, allowing no conclusion about variant significance. c.1870C>T has been observed in at least one individual(s) affected with SCNN1B-Related Disorders (e.g. Persu_1998). These report(s) do not provide unequivocal conclusions about association of the variant with SCNN1B-Related Disorders. At least one publication reports experimental evidence evaluating an impact on protein function, however, does not allow convincing conclusions about the variant effect (e.g. Persu_1998). The following publication has been ascertained in the context of this evaluation (PMID: PMID: 9674649). ClinVar contains an entry for this variant (Variation ID: 2713037). Based on the evidence outlined above, the variant was classified as uncertain significance.

Labcorp Genetics (formerly Invitae), Labcorp
Classification: Uncertain significance. Last evaluated: 2025-08-05. Review status: criteria provided, single submitter. Criteria: Invitae Variant Classification Sherloc (09022015). Collection method: clinical testing. Allele origin: germline.
Comment: This sequence change replaces arginine, which is basic and polar, with cysteine, which is neutral and slightly polar, at codon 624 of the SCNN1B protein (p.Arg624Cys). This variant is present in population databases (rs372132399, gnomAD 0.05%). This missense change has been observed in individual(s) with clinical features of SCNN1B-related conditions (PMID: 9674649). ClinVar contains an entry for this variant (Variation ID: 2713037). An algorithm developed to predict the effect of missense changes on protein structure and function (PolyPhen-2) suggests that this variant is likely to be disruptive. Experimental studies are conflicting or provide insufficient evidence to determine the effect of this variant on SCNN1B function (PMID: 9674649). In summary, the available evidence is currently insufficient to determine the role of this variant in disease. Therefore, it has been classified as a Variant of Uncertain Significance.

Fulgent Genetics
Classification: Uncertain significance for Liddle syndrome 1; Bronchiectasis with or without elevated sweat chloride 1; Pseudohypoaldosteronism, type IB2, autosomal recessive. Last evaluated: 2024-04-09. Review status: criteria provided, single submitter. Criteria: ACMG Guidelines, 2015. Collection method: clinical testing. Allele origin: germline.

Literature cited by the submitters: PubMed 9674649 (cited by Labcorp Genetics (formerly Invitae), Labcorp).

NM_000336.3(SCNN1B):c.1870C>T (p.Arg624Cys)

Gene: SCNN1B (sodium channel epithelial 1 subunit beta; plus strand). Cytogenetic location: 16p12.2.
Variant type: single nucleotide variant.
Coding change: c.1870C>T on transcript NM_000336.3 (MANE Select); coding-DNA position 1870, C replaced by T.
Protein change: p.Arg624Cys; replaces arginine 624 with cysteine.
Molecular consequence: missense variant.
Genome position (GRCh38, 1-based): chr16:23,380,748, C>T. VCF-style: chr16-23380748-C-T. GRCh37 (hg19) VCF-style: chr16-23392069-C-T.
Other names: c.1762C>T, p.Arg588Cys (NM_001410900.1); short protein forms R588C, R624C.
Identifiers: ClinVar variation 2713037 (VCV002713037.5), dbSNP rs372132399, ClinGen allele CA7960664.
Genomic context (GRCh38, chr16:23,380,748, plus strand): 5'-TACCCCAGTGAGCAGGCCCTGCCCATCCCAGGCACCCCGCCCCCCAACTATGACTCCCTG[C>T]GTCTGCAGCCGCTGGACGTCATCGAGTCTGACAGTGAGGGTGATGCCATCTAACCCTGCC-3'
Protein context (NP_000327.2, residues 614-634): GTPPPNYDSL[Arg624Cys]LQPLDVIESD